The following is an entry in ClinVar:

ClinVar aggregate classification (germline): Benign/Likely benign. Review status: criteria provided, multiple submitters, no conflicts (2 of 4 stars). 3 submissions from 3 submitters: Benign (1); Likely benign (2). Last evaluated 2026-07-07.

Conditions:
Inborn genetic diseases. Identifiers: MedGen C0950123, MeSH D030342.
TRRAP-related disorder. Also called: TRRAP-related condition.

Allele frequency attached by ClinVar (database versions not stated): gnomAD exomes 0.00003; ExAC 0.00007; ESP Exome Variant Server 0.00015; 1000 Genomes Project 30x 0.00016; gnomAD 0.00017; 1000 Genomes Project 0.00020; TOPMed 0.00020.
gnomAD v4.1: 74 of 1,614,194 alleles (0.0046%); highest among the groups gnomAD compares: African/African-American, 0.065%; no homozygotes.

Submissions (3):

PreventionGenetics, part of Exact Sciences
Classification: Likely benign for TRRAP-related condition. Last evaluated: 2026-07-07. Review status: criteria provided, single submitter. Criteria: ACMG Guidelines, 2015. Collection method: clinical testing. Allele origin: germline.
Comment: This variant is classified as likely benign based on ACMG/AMP sequence variant interpretation guidelines (Richards et al. 2015 PMID: 25741868, with internal and published modifications).

Labcorp Genetics (formerly Invitae), Labcorp
Classification: Benign. Last evaluated: 2025-01-19. Review status: criteria provided, single submitter. Criteria: Invitae Variant Classification Sherloc (09022015). Collection method: clinical testing. Allele origin: germline.

Ambry Genetics
Classification: Likely benign for Inborn genetic diseases. Last evaluated: 2023-02-09. Review status: criteria provided, single submitter. Criteria: Ambry Variant Classification Scheme 2023. Collection method: clinical testing. Allele origin: germline.

NM_001375524.1(TRRAP):c.2999A>G (p.Asn1000Ser)

Gene: TRRAP (transformation/transcription domain associated protein; plus strand). Cytogenetic location: 7q22.1.
Variant type: single nucleotide variant.
Coding change: c.2999A>G on transcript NM_001375524.1 (MANE Select); coding-DNA position 2999, A replaced by G.
Protein change: p.Asn1000Ser; replaces asparagine 1000 with serine.
Molecular consequence: missense variant.
Genome position (GRCh38, 1-based): chr7:98,927,190, A>G. VCF-style: chr7-98927190-A-G. GRCh37 (hg19) VCF-style: chr7-98524813-A-G.
Other names: c.2999A>G (NM_001244580.1, NM_003496.3); c.2999A>G, p.Asn1000Ser (NM_001244580.2, NM_003496.4); short protein forms N1000S.
Identifiers: ClinVar variation 2041940 (VCV002041940.7), dbSNP rs143459520, ClinGen allele CA4359909.